The following is an entry in ClinVar:

NM_001852.4(COL9A2):c.305G>A (p.Gly102Asp)

Gene: COL9A2 (collagen type IX alpha 2 chain; minus strand). Cytogenetic location: 1p34.2.
Variant type: single nucleotide variant.
Coding change: c.305G>A on transcript NM_001852.4 (MANE Select); coding-DNA position 305, G replaced by A.
Protein change: p.Gly102Asp; replaces glycine 102 with aspartic acid.
Molecular consequence: missense variant.
Genome position (GRCh38, 1-based): chr1:40,312,608, C>T on the plus strand (G>A on the coding strand, the complement: COL9A2 is on the minus strand). VCF-style: chr1-40312608-C-T. GRCh37 (hg19) VCF-style: chr1-40778280-C-T.
Other names: short protein forms G102D.
Identifiers: ClinVar variation 2593864 (VCV002593864.8), dbSNP rs1168056654, ClinGen allele CA339857267.

ClinVar aggregate classification (germline): Uncertain significance. Review status: criteria provided, multiple submitters, no conflicts (2 of 4 stars). 4 submissions from 4 submitters: Uncertain significance (3). 1 of the submissions does not count toward it. Last evaluated 2025-10-26.

Conditions:
COL9A2-related disorder. Also called: COL9A2-related condition.
Inborn genetic diseases. Identifiers: MedGen C0950123, MeSH D030342.

Allele frequency attached by ClinVar (database versions not stated): gnomAD exomes 0.00001.
gnomAD v4.1: 9 of 1,614,058 alleles (0.00056%); highest among the groups gnomAD compares: Non-Finnish European, 0.00076%; no homozygotes.

Submissions (4):

Labcorp Genetics (formerly Invitae), Labcorp
Classification: Uncertain significance. Last evaluated: 2025-10-26. Review status: criteria provided, single submitter. Criteria: Invitae Variant Classification Sherloc (09022015). Collection method: clinical testing. Allele origin: germline.
Comment: This sequence change replaces glycine, which is neutral and non-polar, with aspartic acid, which is acidic and polar, at codon 102 of the COL9A2 protein (p.Gly102Asp). This variant is not present in population databases (gnomAD no frequency). This variant has not been reported in the literature in individuals affected with COL9A2-related conditions. ClinVar contains an entry for this variant (Variation ID: 2593864). Experimental studies and prediction algorithms are not available or were not evaluated, and the functional significance of this variant is currently unknown. In summary, the available evidence is currently insufficient to determine the role of this variant in disease. Therefore, it has been classified as a Variant of Uncertain Significance.

Blueprint Genetics
Classification: Uncertain significance. Last evaluated: 2024-06-28. Review status: criteria provided, single submitter. Criteria: ACMG Guidelines, 2015. Collection method: clinical testing. Allele origin: germline.

Ambry Genetics
Classification: Uncertain significance for Inborn genetic diseases. Last evaluated: 2023-08-14. Review status: criteria provided, single submitter. Criteria: Ambry Variant Classification Scheme 2023. Collection method: clinical testing. Allele origin: germline.

PreventionGenetics, part of Exact Sciences
Classification: Uncertain significance for COL9A2-related condition. Last evaluated: 2024-02-15. Review status: no assertion criteria provided. Collection method: clinical testing. Allele origin: germline. Not counted in ClinVar's aggregate classification.
Comment: The COL9A2 c.305G>A variant is predicted to result in the amino acid substitution p.Gly102Asp. To our knowledge, this variant has not been reported in the literature or in a large population database, indicating this variant is rare. At this time, the clinical significance of this variant is uncertain due to the absence of conclusive functional and genetic evidence.